The following is an entry in ClinVar:

ClinVar aggregate classification (germline): Pathogenic (1 of 4 stars; one submission).

Conditions:
Neurodevelopmental disorder with nonspecific brain abnormalities and with or without seizures. Identifiers: MedGen C5231470, MONDO:0032877, OMIM 618709.

Submission:

Centre of Medical Genetics, University Hospital Muenster
Classification: Pathogenic for Neurodevelopmental disorder with nonspecific brain abnormalities and with or without seizures. Last evaluated: 2022-03-30. Review status: criteria provided, single submitter. Criteria: ACMG Guidelines, 2015. Collection method: clinical testing. Allele origin: germline. Affected: yes. Observed: 1 variant allele, 1 heterozygote.
Comment: ACMG categories: PVS1,PS4

NM_005618.4(DLL1):c.168C>A (p.Cys56Ter)

Gene: DLL1 (delta like canonical Notch ligand 1; minus strand). Cytogenetic location: 6q27.
Variant type: single nucleotide variant.
Coding change: c.168C>A on transcript NM_005618.4 (MANE Select); coding-DNA position 168, C replaced by A.
Protein change: p.Cys56Ter; replaces cysteine 56 with a stop codon.
Molecular consequence: nonsense.
Genome position (GRCh38, 1-based): chr6:170,289,695, G>T on the plus strand (C>A on the coding strand, the complement: DLL1 is on the minus strand). VCF-style: chr6-170289695-G-T. GRCh37 (hg19) VCF-style: chr6-170598783-G-T.
Other names: short protein forms C56*.
Identifiers: ClinVar variation 1676790 (VCV001676790.2), dbSNP rs1248063937, ClinGen allele CA366510194.
Genomic context (GRCh38, chr6:170,289,695, plus strand): 5'-GGGCGGCTCGGGGGACACGCTGGCCTGGTAGTGCTTGAGGCACACGCGGAAGAAGGTCCG[G>T]CAGGCGCACGGCGGTGGCCCCGCGCCCCCGCGGCAGCAGTTGCGGTTCCCCAGCAGCCCC-3'